The following is an entry in ClinVar:

ClinVar aggregate classification (germline): Uncertain significance (1 of 4 stars; one submission).

Conditions:
Ehlers-Danlos syndrome, kyphoscoliotic type, 2. Also called: Ehlers-Danlos syndrome with progressive kyphoscoliosis, myopathy, and hearing loss; Ehlers-Danlos syndrome, kyphoscoliotic and deafness type; FKBP14-Kyphoscoliotic Ehlers-Danlos Syndrome. Identifiers: Orphanet 300179, MedGen C3281160, MONDO:0013800, OMIM 614557.

Allele frequency attached by ClinVar (database versions not stated): gnomAD exomes below 0.00001; TOPMed below 0.00001.

Submission:

Labcorp Genetics (formerly Invitae), Labcorp
Classification: Uncertain significance for Ehlers-Danlos syndrome, kyphoscoliotic type, 2. Last evaluated: 2023-04-24. Review status: criteria provided, single submitter. Criteria: Invitae Variant Classification Sherloc (09022015). Collection method: clinical testing. Allele origin: germline.
Comment: In summary, the available evidence is currently insufficient to determine the role of this variant in disease. Therefore, it has been classified as a Variant of Uncertain Significance. An algorithm developed to predict the effect of missense changes on protein structure and function (PolyPhen-2) suggests that this variant is likely to be disruptive. ClinVar contains an entry for this variant (Variation ID: 941883). This variant has not been reported in the literature in individuals affected with FKBP14-related conditions. This variant is present in population databases (no rsID available, gnomAD 0.003%). This sequence change replaces tyrosine, which is neutral and polar, with cysteine, which is neutral and slightly polar, at codon 55 of the FKBP14 protein (p.Tyr55Cys).

NM_017946.4(FKBP14):c.164A>G (p.Tyr55Cys)

Genes: FKBP14 (FKBP prolyl isomerase 14; minus strand), FKBP14-AS1 (FKBP14 antisense RNA 1; plus strand). Cytogenetic location: 7p14.3.
Variant type: single nucleotide variant.
Coding change: c.164A>G on transcript NM_017946.4 (MANE Select); coding-DNA position 164, A replaced by G.
Protein change: p.Tyr55Cys; replaces tyrosine 55 with cysteine.
Molecular consequence: missense variant. On other transcripts: non-coding transcript variant (2).
Genome position (GRCh38, 1-based): chr7:30,026,345, T>C on the plus strand (A>G on the coding strand, the complement: FKBP14 is on the minus strand). VCF-style: chr7-30026345-T-C. GRCh37 (hg19) VCF-style: chr7-30065961-T-C.
Other names: short protein forms Y55C.
Identifiers: ClinVar variation 941883 (VCV000941883.10), dbSNP rs1156382110, ClinGen allele CA367117762.